The following is an entry in ClinVar:

NM_001029.5(RPS26):c.83G>C (p.Arg28Pro)

Gene: RPS26 (ribosomal protein S26; plus strand). Cytogenetic location: 12q13.2.
Variant type: single nucleotide variant.
Coding change: c.83G>C on transcript NM_001029.5 (MANE Select); coding-DNA position 83, G replaced by C.
Protein change: p.Arg28Pro; replaces arginine 28 with proline.
Molecular consequence: missense variant.
Genome position (GRCh38, 1-based): chr12:56,042,504, G>C. VCF-style: chr12-56042504-G-C. GRCh37 (hg19) VCF-style: chr12-56436288-G-C.
Other names: short protein forms R28P.
Identifiers: ClinVar variation 4082814 (VCV004082814.1).
Genomic context (GRCh38, chr12:56,042,504, plus strand): 5'-ATGGTCGTGCCAAAAAGGGCCGCGGCCACGTGCAGCCTATTCGCTGCACTAACTGTGCCC[G>C]ATGCGTGCCCAAGGACAAGGCCATTAAGAAATTCGTCATTCGAAACATAGTGGAGGCCGC-3'
Protein context (NP_001020.2, residues 18-38): VQPIRCTNCA[Arg28Pro]CVPKDKAIKK

ClinVar aggregate classification (germline): Uncertain significance (1 of 4 stars; one submission).

Submission:

GeneDx
Classification: Uncertain significance. Last evaluated: 2025-03-02. Review status: criteria provided, single submitter. Criteria: GeneDx Variant Classification Process June 2021. Collection method: clinical testing. Allele origin: germline. Affected: yes.
Comment: Not observed at significant frequency in large population cohorts (gnomAD); In silico analysis supports that this missense variant has a deleterious effect on protein structure/function; Has not been previously published as pathogenic or benign to our knowledge